The following is an entry in ClinVar:

NM_000135.4(FANCA):c.3310A>T (p.Arg1104Ter)

Gene: FANCA (FA complementation group A; minus strand). Cytogenetic location: 16q24.3.
Variant type: single nucleotide variant.
Coding change: c.3310A>T on transcript NM_000135.4 (MANE Select); coding-DNA position 3310, A replaced by T.
Protein change: p.Arg1104Ter; replaces arginine 1104 with a stop codon.
Molecular consequence: nonsense.
Genome position (GRCh38, 1-based): chr16:89,748,697, T>A on the plus strand (A>T on the coding strand, the complement: FANCA is on the minus strand). VCF-style: chr16-89748697-T-A. GRCh37 (hg19) VCF-style: chr16-89815105-T-A.
Other names: c.3310A>T, p.Arg1104Ter (NM_001286167.3); short protein forms R1104*.
Identifiers: ClinVar variation 2772366 (VCV002772366.3), dbSNP rs1337692923, ClinGen allele CA397486267.

ClinVar aggregate classification (germline): Pathogenic (1 of 4 stars; one submission).

Conditions:
Fanconi anemia (FA). Also called: Fanconi's anemia. Identifiers: Orphanet 84, MedGen C0015625, MeSH D005199, MONDO:0019391.

Submission:

Labcorp Genetics (formerly Invitae), Labcorp
Classification: Pathogenic for Fanconi anemia. Last evaluated: 2023-10-28. Review status: criteria provided, single submitter. Criteria: Invitae Variant Classification Sherloc (09022015). Collection method: clinical testing. Allele origin: germline.
Comment: This sequence change creates a premature translational stop signal (p.Arg1104*) in the FANCA gene. It is expected to result in an absent or disrupted protein product. Loss-of-function variants in FANCA are known to be pathogenic (PMID: 19367192). This variant is not present in population databases (gnomAD no frequency). This variant has not been reported in the literature in individuals affected with FANCA-related conditions. For these reasons, this variant has been classified as Pathogenic.

Literature cited by the submitters: PubMed 19367192.